The following is an entry in ClinVar:

NM_001079866.2(BCS1L):c.889+1G>A

Gene: BCS1L (BCS1 ubiquinol-cytochrome c reductase complex chaperone; plus strand). Cytogenetic location: 2q35.
Variant type: single nucleotide variant.
Coding change: c.889+1G>A on transcript NM_001079866.2 (MANE Select); the canonical splice donor site of the intron after coding-DNA position 889, G replaced by A.
Molecular consequence: splice donor variant.
Genome position (GRCh38, 1-based): chr2:218,662,680, G>A. VCF-style: chr2-218662680-G-A. GRCh37 (hg19) VCF-style: chr2-219527403-G-A.
Other names: c.889+1G>A (NM_001374085.1, NM_001371446.1, NM_001371450.1 and 10 more transcripts); c.388+1G>A (NM_001374086.1, NM_001371454.1, NM_001371453.1 and 3 more transcripts); c.529+1G>A (NM_001371451.1, NM_001318836.2).
Identifiers: ClinVar variation 550817 (VCV000550817.3), dbSNP rs1057516346, ClinGen allele CA350630683.

ClinVar aggregate classification (germline): Likely pathogenic. Review status: criteria provided, single submitter (1 of 4 stars). 2 submissions from 2 submitters: Likely pathogenic (1). 1 of the submissions does not count toward it. Last evaluated 2025-08-12.

Conditions:
GRACILE syndrome (FLNMS). Also called: FELLMAN SYNDROME; FINNISH LETHAL NEONATAL METABOLIC SYNDROME. Identifiers: Orphanet 53693, MedGen C1864002, MONDO:0011308, OMIM 603358.
BCS1L-related disorder. Also called: BCS1L-related disorders; BCS1L-related condition. Identifiers: MedGen CN239240.

Submissions (2):

Myriad Genetics, Inc.
Classification: Likely pathogenic for BCS1L-related disorder. Last evaluated: 2025-08-12. Review status: criteria provided, single submitter. Criteria: Myriad Autosomal Dominant, Autosomal Recessive and X-Linked Classification Criteria (2023). Collection method: clinical testing. Allele origin: unknown.
Comment: NM_004328.4(BCS1L):c.889+1G>A is a variant in a canonical splice site classified as likely pathogenic in the context of BCS1L-related disorders. c.889+1G>A has not been observed in cases with relevant disease. Relevant functional assessments of this variant are not available in the literature. c.889+1G>A has not been observed in referenced population frequency databases. In summary, NM_004328.4(BCS1L):c.889+1G>A is a variant in a canonical splice site in a gene where loss of function is a known mechanism of disease and is predicted to disrupt protein function. Please note: this variant was assessed in the context of healthy population screening.

Counsyl
Classification: Likely pathogenic for GRACILE syndrome. Last evaluated: 2017-02-22. Review status: no assertion criteria provided. Collection method: clinical testing. Allele origin: unknown. Not counted in ClinVar's aggregate classification.